The following is an entry in ClinVar:

NM_000719.7(CACNA1C):c.642A>T (p.Gln214His)

Gene: CACNA1C (calcium voltage-gated channel subunit alpha1 C; plus strand). Cytogenetic location: 12p13.33.
Variant type: single nucleotide variant.
Coding change: c.642A>T on transcript NM_000719.7 (MANE Select); coding-DNA position 642, A replaced by T.
Protein change: p.Gln214His; replaces glutamine 214 with histidine.
Molecular consequence: missense variant.
Genome position (GRCh38, 1-based): chr12:2,457,591, A>T. VCF-style: chr12-2457591-A-T. GRCh37 (hg19) VCF-style: chr12-2566757-A-T.
Other names: c.642A>T, p.Gln214His (NM_001129827.2, NM_001129829.2, NM_001129830.3 and 19 more transcripts); short protein forms Q214H.
Identifiers: ClinVar variation 4701840 (VCV004701840.1).
Genomic context (GRCh38, chr12:2,457,591, plus strand): 5'-AGTCCTGACAGTCCTTCTCTCTTTCCTCTCTTCTAGGCTTTTTAGTGCAATTTTAGAACA[A>T]GCAACCAAAGCAGATGGGGCAAACGCTCTCGGAGGGAAAGGGGCCGGATTTGATGTGAAG-3'
Protein context (NP_000710.5, residues 204-224): VVGLFSAILE[Gln214His]ATKADGANAL

ClinVar aggregate classification (germline): Uncertain significance (1 of 4 stars; one submission).

Conditions:
Long QT syndrome (LQTS). Identifiers: MedGen C0023976, MeSH D008133, MONDO:0002442. Disease mechanism: loss of function. Inheritance: Various modes of inheritance.

Submission:

Labcorp Genetics (formerly Invitae), Labcorp
Classification: Uncertain significance for Long QT syndrome. Last evaluated: 2026-01-21. Review status: criteria provided, single submitter. Criteria: Invitae Variant Classification Sherloc (09022015). Collection method: clinical testing. Allele origin: germline.
Comment: This sequence change replaces glutamine, which is neutral and polar, with histidine, which is basic and polar, at codon 214 of the CACNA1C protein (p.Gln214His). This variant is not present in population databases (gnomAD no frequency). This variant has not been reported in the literature in individuals affected with CACNA1C-related conditions. Invitae Evidence Modeling of protein sequence and biophysical properties (such as structural, functional, and spatial information, amino acid conservation, physicochemical variation, residue mobility, and thermodynamic stability) indicates that this missense variant is not expected to disrupt CACNA1C protein function with a negative predictive value of 80%. In summary, the available evidence is currently insufficient to determine the role of this variant in disease. Therefore, it has been classified as a Variant of Uncertain Significance.